The following is an entry in ClinVar:

NM_001429.4(EP300):c.1449A>C (p.Gln483His)

Gene: EP300 (EP300 lysine acetyltransferase; plus strand). Cytogenetic location: 22q13.2.
Variant type: single nucleotide variant.
Coding change: c.1449A>C on transcript NM_001429.4 (MANE Select); coding-DNA position 1449, A replaced by C.
Protein change: p.Gln483His; replaces glutamine 483 with histidine.
Molecular consequence: missense variant.
Genome position (GRCh38, 1-based): chr22:41,131,554, A>C. VCF-style: chr22-41131554-A-C. GRCh37 (hg19) VCF-style: chr22-41527558-A-C.
Other names: c.1449A>C (NM_001429.3); c.1449A>C, p.Gln483His (NM_001362843.2); short protein forms Q483H.
Identifiers: ClinVar variation 2175143 (VCV002175143.6), dbSNP rs779031630, ClinGen allele CA10252513.

ClinVar aggregate classification (germline): Benign. Review status: criteria provided, single submitter (1 of 4 stars). 2 submissions from 2 submitters: Benign (1). 1 of the submissions does not count toward it. Last evaluated 2024-12-08.

Conditions:
EP300-related disorder. Also called: EP300-related condition; EP300-related disorders.
Rubinstein-Taybi syndrome due to EP300 haploinsufficiency. Also called: EP300-Related Rubinstein-Taybi Syndrome; RUBINSTEIN-TAYBI SYNDROME 2. Identifiers: Orphanet 353284, Orphanet 783, MedGen C3150941, MONDO:0013364, OMIM 613684.

Allele frequency attached by ClinVar (database versions not stated): gnomAD 0.00001; gnomAD exomes 0.00001; ExAC 0.00002; TOPMed 0.00006.
gnomAD v4.1: 4 of 1,613,866 alleles (0.00025%); highest among the groups gnomAD compares: Admixed American, 0.0067%; no homozygotes.

Submissions (2):

Labcorp Genetics (formerly Invitae), Labcorp
Classification: Benign for Rubinstein-Taybi syndrome due to EP300 haploinsufficiency. Last evaluated: 2024-12-08. Review status: criteria provided, single submitter. Criteria: Invitae Variant Classification Sherloc (09022015). Collection method: clinical testing. Allele origin: germline.

PreventionGenetics, part of Exact Sciences
Classification: Uncertain significance for EP300-related condition. Last evaluated: 2024-08-19. Review status: no assertion criteria provided. Collection method: clinical testing. Allele origin: germline. Not counted in ClinVar's aggregate classification.
Comment: The EP300 c.1449A>C variant is predicted to result in the amino acid substitution p.Gln483His. To our knowledge, this variant has not been reported in the literature. This variant is reported in 0.0029% of alleles in individuals of Latino descent in gnomAD. At this time, the clinical significance of this variant is uncertain due to the absence of conclusive functional and genetic evidence.